The following is an entry in ClinVar:

ClinVar aggregate classification (germline): Uncertain significance (1 of 4 stars; one submission).

gnomAD v4.1: 1 of 1,613,770 alleles (0.000062%); highest among the groups gnomAD compares: Non-Finnish European, 0.000085%; no homozygotes.

Submission:

Ambry Genetics
Classification: Uncertain significance. Last evaluated: 2024-09-19. Review status: criteria provided, single submitter. Criteria: Ambry Variant Classification Scheme 2023. Collection method: clinical testing. Allele origin: germline.
Comment: The p.I1409M variant (also known as c.4227C>G), located in coding exon 16 of the POLQ gene, results from a C to G substitution at nucleotide position 4227. The isoleucine at codon 1409 is replaced by methionine, an amino acid with highly similar properties. This amino acid position is conserved. In addition, this alteration is predicted to be tolerated by in silico analysis. Based on the available evidence, the clinical significance of this variant remains unclear.

NM_199420.4(POLQ):c.4227C>G (p.Ile1409Met)

Gene: POLQ (DNA polymerase theta; minus strand). Cytogenetic location: 3q13.33.
Variant type: single nucleotide variant.
Coding change: c.4227C>G on transcript NM_199420.4 (MANE Select); coding-DNA position 4227, C replaced by G.
Protein change: p.Ile1409Met; replaces isoleucine 1409 with methionine.
Molecular consequence: missense variant.
Genome position (GRCh38, 1-based): chr3:121,488,704, G>C on the plus strand (C>G on the coding strand, the complement: POLQ is on the minus strand). VCF-style: chr3-121488704-G-C. GRCh37 (hg19) VCF-style: chr3-121207551-G-C.
Other names: short protein forms I1409M.
Identifiers: ClinVar variation 3422560 (VCV003422560.1).